The following is an entry in ClinVar:

NM_003560.4(PLA2G6):c.1946G>A (p.Arg649His)

Gene: PLA2G6 (phospholipase A2 group VI; minus strand). Cytogenetic location: 22q13.1.
Variant type: single nucleotide variant.
Coding change: c.1946G>A on transcript NM_003560.4 (MANE Select); coding-DNA position 1946, G replaced by A.
Protein change: p.Arg649His; replaces arginine 649 with histidine.
Molecular consequence: missense variant.
Genome position (GRCh38, 1-based): chr22:38,115,615, C>T on the plus strand (G>A on the coding strand, the complement: PLA2G6 is on the minus strand). VCF-style: chr22-38115615-C-T. GRCh37 (hg19) VCF-style: chr22-38511622-C-T.
Other names: c.1784G>A, p.Arg595His (NM_001004426.3, NM_001199562.3, NM_001349865.2 and 1 more transcripts); c.1946G>A, p.Arg649His (NM_001349864.2); c.1412G>A, p.Arg471His (NM_001349867.2); c.1268G>A, p.Arg423His (NM_001349868.2); c.1250G>A, p.Arg417His (NM_001349869.2); short protein forms R417H, R423H, R471H, R595H, R649H.
Identifiers: ClinVar variation 3233813 (VCV003233813.2), dbSNP rs1461947940, ClinGen allele CA411524759.

ClinVar aggregate classification (germline): Uncertain significance (1 of 4 stars; one submission).

Allele frequency attached by ClinVar (database versions not stated): TOPMed below 0.00001.
gnomAD v4.1: 6 of 1,611,416 alleles (0.00037%); highest among the groups gnomAD compares: East Asian, 0.0045%; no homozygotes.

Submission:

Women's Health and Genetics/Laboratory Corporation of America, LabCorp
Classification: Uncertain significance. Last evaluated: 2024-03-22. Review status: criteria provided, single submitter. Criteria: LabCorp Variant Classification Summary - May 2015. Collection method: clinical testing. Allele origin: germline.
Comment: Variant summary: PLA2G6 c.1946G>A (p.Arg649His) results in a non-conservative amino acid change located in the patatin-like phospholipase domain (IPR002641) of the encoded protein sequence. Five of five in-silico tools predict a damaging effect of the variant on protein function. The variant was absent in 244152 control chromosomes (gnomAD). The available data on variant occurrences in the general population are insufficient to allow any conclusion about variant significance. c.1946G>A has been reported in the literature in a compound heterozygous individual with atypical neuroaxonal dystrophy with brain iron accumulation (Kapoor_2016). It was also reported in the homozygous state in an individual with adult-onset neurodegeneration, however no additional clinical features were specified (Dehnavi_2023). These data do not allow any conclusion about variant significance. The following publications have been ascertained in the context of this evaluation (PMID: 27196560, 37403138). To our knowledge, no experimental evidence demonstrating an impact on protein function has been reported. No submitters have cited clinical-significance assessments for this variant to ClinVar. Based on the evidence outlined above, the variant was classified as uncertain significance.

Literature cited by the submitters: PubMed 27196560; PubMed 37403138.